The following is an entry in ClinVar:

ClinVar aggregate classification (germline): Conflicting classifications of pathogenicity. Review status: criteria provided, conflicting classifications (1 of 4 stars). 6 submissions from 6 submitters: Uncertain significance (4); Likely benign (1). 1 of the submissions does not count toward it. Last evaluated 2025-03-28.

Conditions:
Hereditary cancer-predisposing syndrome. Also called: Tumor predisposition; Neoplastic Syndromes, Hereditary; Hereditary Cancer Syndrome; Hereditary neoplastic syndrome. Identifiers: Orphanet 140162, MedGen C0027672, MeSH D009386, MONDO:0015356.
Tuberous sclerosis syndrome (TSC). Also called: Tuberous sclerosis; Tuberous Sclerosis Complex. Identifiers: Orphanet 805, MedGen C0041341, MONDO:0001734.
Tuberous sclerosis 2 (TSC2). Identifiers: Orphanet 805, MedGen C1860707, MONDO:0013199, OMIM 613254.

Allele frequency attached by ClinVar (database versions not stated): gnomAD exomes below 0.00001; TOPMed 0.00001.
gnomAD v4.1: 2 of 1,612,618 alleles (0.00012%); highest among the groups gnomAD compares: Non-Finnish European, 0.000085%; no homozygotes.

Submissions (6):

Ambry Genetics
Classification: Likely benign for Hereditary cancer-predisposing syndrome. Last evaluated: 2025-03-28. Review status: criteria provided, single submitter. Criteria: Ambry Variant Classification Scheme 2023. Collection method: clinical testing. Allele origin: germline.

Blueprint Genetics
Classification: Uncertain significance. Last evaluated: 2024-06-26. Review status: criteria provided, single submitter. Criteria: ACMG Guidelines, 2015. Collection method: clinical testing. Allele origin: germline.

Labcorp Genetics (formerly Invitae), Labcorp
Classification: Uncertain significance for Tuberous sclerosis 2. Last evaluated: 2024-03-30. Review status: criteria provided, single submitter. Criteria: Invitae Variant Classification Sherloc (09022015). Collection method: clinical testing. Allele origin: germline.
Comment: This sequence change falls in intron 26 of the TSC2 gene. It does not directly change the encoded amino acid sequence of the TSC2 protein. It affects a nucleotide within the consensus splice site. This variant is not present in population databases (gnomAD no frequency). This variant has not been reported in the literature in individuals affected with TSC2-related conditions. ClinVar contains an entry for this variant (Variation ID: 639030). Variants that disrupt the consensus splice site are a relatively common cause of aberrant splicing (PMID: 17576681, 9536098). Algorithms developed to predict the effect of sequence changes on RNA splicing suggest that this variant may disrupt the consensus splice site. In summary, the available evidence is currently insufficient to determine the role of this variant in disease. Therefore, it has been classified as a Variant of Uncertain Significance.

All of Us Research Program, National Institutes of Health
Classification: Uncertain significance for Tuberous sclerosis syndrome. Last evaluated: 2024-01-11. Review status: criteria provided, single submitter. Criteria: ACMG Guidelines, 2015. Collection method: clinical testing. Allele origin: germline. Inheritance: Autosomal dominant inheritance. Observed: 1 variant allele, 1 heterozygote.
Comment: This study involves interpretation of variants in research participants for the purpose of population health screening. Participant phenotype was not available at the time of variant classification. Additional details can be found in publication PMID: 35346344, PMCID: PMC8962531

GeneDx
Classification: Uncertain significance. Last evaluated: 2023-12-28. Review status: criteria provided, single submitter. Criteria: GeneDx Variant Classification Process June 2021. Collection method: clinical testing. Allele origin: germline. Affected: yes.
Comment: Canonical splice site variant predicted to result in an in-frame loss of the adjacent exon in a gene for which loss of function is a known mechanism of disease; Observed as a paternally inherited variant in an individual with epilepsy and developmental delaying undergoing whole exome sequencing; neither had any typical features of TSC (PMID: 35692821); Not observed at significant frequency in large population cohorts (gnomAD); This variant is associated with the following publications: (PMID: 30476936, 35692821)

Neurology Department, Shenzhen Children's Hospital
Classification: Likely benign for Tuberous sclerosis 2. Last evaluated: 2022-04-19. Review status: no assertion criteria provided. Collection method: clinical testing. Allele origin: paternal. Inheritance: Autosomal dominant inheritance. Affected: no. Observed: 1 heterozygote. Not counted in ClinVar's aggregate classification.
Comment: This variant is a novel canonical -1 splice site variant at the invariant acceptor site of exon 27 of the TSC2 gene, and is not present in population databases (1000 Genomes, Exome Aggregation Consortium, and Genome Aggregation Database). In addition, we found that this mutation is located in a NAGNAG receptor, which has been recorded in the TAndem Splice Site DataBase (TassDB).The NAGNAG receptor includes two 3′ tandem acceptors and mainly results in the insertion/deletion of one amino acid. Through blood RNA analysis and minigene assay, we found this variant disrupts the upstream site leads to the activation of the downstream one and the subsequent mRNA is expected to encode only the isoform without one amino acid. We evaluated the loss of this amino acid in the context of two different protein sequences (NP_000539.2 and NP_066399.2) using the PROVEAN protein tool[24]. The difference between the two protein sequences is whether or not they contain the amino acid encoded by exon 26. The PROVEAN scores for the absence of this amino acid were 0.516(NP_000539.2) and -1.337(NP_066399.2), respectively. The prediction (cutoff = -2.5) were neutral. Our results suggest that the c.2967-1G>T variant disrupts the balance of an alternative splicing event (formerly called alternative splice to NAGNAG acceptors) which consists of the use of two alternative acceptors only 3 bp apart. Alternative splicing at NAGNAG acceptors is widespread and contributes to proteome plasticityand such NAGNAG acceptor sites can ameliorate or bypass the phenotype of a mutation. This may be the reason that this variant did not related to the typical symptoms of TSC.

Literature cited by the submitters: PubMed 17576681 (cited by Labcorp Genetics (formerly Invitae), Labcorp); PubMed 9536098 (cited by Labcorp Genetics (formerly Invitae), Labcorp).

NM_000548.5(TSC2):c.2967-1G>T

Gene: TSC2 (TSC complex subunit 2; plus strand). Cytogenetic location: 16p13.3.
Variant type: single nucleotide variant.
Coding change: c.2967-1G>T on transcript NM_000548.5 (MANE Select); the canonical splice acceptor site of the intron before coding-DNA position 2967, G replaced by T.
Molecular consequence: splice acceptor variant. On other transcripts: intron variant (21).
Genome position (GRCh38, 1-based): chr16:2,079,031, G>T. VCF-style: chr16-2079031-G-T. GRCh37 (hg19) VCF-style: chr16-2129032-G-T.
Other names: c.1494-1G>T (NM_001406693.1, NM_001406690.1, NM_001406692.1 and 1 more transcripts); c.2928-1G>T (NM_001406667.1); c.2928-4G>T (NM_001406668.1); c.2367-1G>T (NM_001406680.1, NM_001406683.1, NM_001406682.1); c.2238-4G>T (NM_001406687.1, NM_001318831.2, NM_001406688.1); c.1623-1G>T (NM_001406689.1); c.1494-4G>T (NM_001406691.1, NM_001406697.1, NM_001406695.1 and 1 more transcripts); c.1236-4G>T (NM_001406698.1); and 18 more.
Identifiers: ClinVar variation 639030 (VCV000639030.16), dbSNP rs1596382055, ClinGen allele CA394283420.